The following is an entry in ClinVar:

NM_172107.4(KCNQ2):c.2600G>A (p.Trp867Ter)

Gene: KCNQ2 (potassium voltage-gated channel subfamily Q member 2; minus strand). Cytogenetic location: 20q13.33.
Variant type: single nucleotide variant.
Coding change: c.2600G>A on transcript NM_172107.4 (MANE Select); coding-DNA position 2600, G replaced by A.
Protein change: p.Trp867Ter; replaces tryptophan 867 with a stop codon.
Molecular consequence: nonsense.
Genome position (GRCh38, 1-based): chr20:63,406,663, C>T on the plus strand (G>A on the coding strand, the complement: KCNQ2 is on the minus strand). VCF-style: chr20-63406663-C-T. GRCh37 (hg19) VCF-style: chr20-62038016-C-T.
Other names: c.2654G>A, p.Trp885Ter (NM_001382235.1); c.2543G>A, p.Trp848Ter (NM_001439003.1); c.2513G>A, p.Trp838Ter (NM_001439004.1); c.2516G>A, p.Trp839Ter (NM_004518.6); c.2546G>A, p.Trp849Ter (NM_172106.3); c.2507G>A, p.Trp836Ter (NM_172108.5); short protein forms W836*, W838*, W839*, W848*, W849*, W867*, W885*.
Identifiers: ClinVar variation 4075615 (VCV004075615.1).
Genomic context (GRCh38, chr20:63,406,663, plus strand): 5'-CTGAGGAGGGCCGCGGGCGGGTCCACTGGCCCAGCGCCGCCTCACTTCCTGGGCCCGGCC[C>T]AGCCCACGTCACCAAAGGGACCCTCGCCGGTGGCCGAGCGTGGCGGGGGCCCGCACGGGG-3'

ClinVar aggregate classification (germline): Uncertain significance (1 of 4 stars; one submission).

Submission:

GeneDx
Classification: Uncertain significance. Last evaluated: 2025-02-11. Review status: criteria provided, single submitter. Criteria: GeneDx Variant Classification Process June 2021. Collection method: clinical testing. Allele origin: germline. Affected: yes.
Comment: Not observed at significant frequency in large population cohorts (gnomAD); Nonsense variant predicted to result in protein truncation as the last six amino acid(s) are lost; Has not been previously published as pathogenic or benign to our knowledge